The following is an entry in ClinVar:

NM_003079.5(SMARCE1):c.434C>T (p.Ala145Val)

Gene: SMARCE1 (SWI/SNF related BAF chromatin remodeling complex subunit E1; minus strand). Cytogenetic location: 17q21.2.
Variant type: single nucleotide variant.
Coding change: c.434C>T on transcript NM_003079.5 (MANE Select); coding-DNA position 434, C replaced by T.
Protein change: p.Ala145Val; replaces alanine 145 with valine.
Molecular consequence: missense variant.
Genome position (GRCh38, 1-based): chr17:40,636,038, G>A on the plus strand (C>T on the coding strand, the complement: SMARCE1 is on the minus strand). VCF-style: chr17-40636038-G-A. GRCh37 (hg19) VCF-style: chr17-38792290-G-A.
Other names: short protein forms A145V.
Identifiers: ClinVar variation 3446156 (VCV003446156.1).
Genomic context (GRCh38, chr17:40,636,038, plus strand): 5'-TCCATGCGAGATTGTCTCTGTCGACTTTCTTCCTCTAAAGCAGCTTCTGCACGACTTTTT[G>A]CATTTATGTAAGCAAGGTACGCGGGGGAATTATGATAGGCCTTCATAGATTCATTGTACT-3'
Protein context (NP_003070.3, residues 135-155): NSPAYLAYIN[Ala145Val]KSRAEAALEE

ClinVar aggregate classification (germline): Uncertain significance (1 of 4 stars; one submission).

Conditions:
Hereditary cancer-predisposing syndrome. Also called: Tumor predisposition; Neoplastic Syndromes, Hereditary; Hereditary neoplastic syndrome; Hereditary Cancer Syndrome. Identifiers: Orphanet 140162, MedGen C0027672, MeSH D009386, MONDO:0015356.

Submission:

Ambry Genetics
Classification: Uncertain significance for Hereditary cancer-predisposing syndrome. Last evaluated: 2024-11-21. Review status: criteria provided, single submitter. Criteria: Ambry Variant Classification Scheme 2023. Collection method: clinical testing. Allele origin: germline.
Comment: The p.A145V variant (also known as c.434C>T), located in coding exon 6 of the SMARCE1 gene, results from a C to T substitution at nucleotide position 434. The alanine at codon 145 is replaced by valine, an amino acid with similar properties. This amino acid position is conserved. In addition, the in silico prediction for this alteration is inconclusive. Based on the available evidence, the clinical significance of this variant remains unclear.